The following is an entry in ClinVar:

NM_000410.4(HFE):c.892G>C (p.Glu298Gln)

Gene: HFE (homeostatic iron regulator; plus strand). Cytogenetic location: 6p22.2.
Variant type: single nucleotide variant.
Coding change: c.892G>C on transcript NM_000410.4 (MANE Select); coding-DNA position 892, G replaced by C.
Protein change: p.Glu298Gln; replaces glutamic acid 298 with glutamine.
Molecular consequence: missense variant. On other transcripts: intron variant (1).
Genome position (GRCh38, 1-based): chr6:26,092,960, G>C. VCF-style: chr6-26092960-G-C. GRCh37 (hg19) VCF-style: chr6-26093188-G-C.
Other names: c.892G>C, p.Glu298Gln (NM_001300749.3, NM_001384164.1); c.883G>C, p.Glu295Gln (NM_001406751.1); c.628G>C, p.Glu210Gln (NM_001406752.1, NM_139007.3); c.574G>C, p.Glu192Gln (NM_139003.3); c.616G>C, p.Glu206Gln (NM_139004.3); c.850G>C, p.Glu284Gln (NM_139006.3); c.586G>C, p.Glu196Gln (NM_139008.3); c.823G>C, p.Glu275Gln (NM_139009.3); and 2 more; short protein forms E118Q, E192Q, E295Q, E298Q, E196Q, E206Q, E210Q, E275Q.
Identifiers: ClinVar variation 4714608 (VCV004714608.1).

ClinVar aggregate classification (germline): Uncertain significance (1 of 4 stars; one submission).

Conditions:
Hereditary hemochromatosis (HFE). Identifiers: MedGen C0392514, MONDO:0006507. Disease mechanism: loss of function.

Submission:

Labcorp Genetics (formerly Invitae), Labcorp
Classification: Uncertain significance for Hereditary hemochromatosis. Last evaluated: 2025-03-07. Review status: criteria provided, single submitter. Criteria: Invitae Variant Classification Sherloc (09022015). Collection method: clinical testing. Allele origin: germline.
Comment: This sequence change affects codon 298 of the HFE mRNA. It is a 'silent' change, meaning that it does not change the encoded amino acid sequence of the HFE protein. This variant also falls at the last nucleotide of exon 4, which is part of the consensus splice site for this exon. This variant is not present in population databases (gnomAD no frequency). This variant has not been reported in the literature in individuals affected with HFE-related conditions. An algorithm developed to predict the effect of missense changes on protein structure and function (PolyPhen-2) suggests that this variant is likely to be disruptive. Variants that disrupt the consensus splice site are a relatively common cause of aberrant splicing (PMID: 17576681, 9536098). Algorithms developed to predict the effect of sequence changes on RNA splicing suggest that this variant may disrupt the consensus splice site. In summary, the available evidence is currently insufficient to determine the role of this variant in disease. Therefore, it has been classified as a Variant of Uncertain Significance.

Literature cited by the submitters: PubMed 17576681; PubMed 9536098.